The following is an entry in ClinVar:

ClinVar aggregate classification (germline): Pathogenic (1 of 4 stars; one submission).

Conditions:
Anauxetic dysplasia. Identifiers: Orphanet 93347, MedGen C1846796, MONDO:0011773.

Submission:

Labcorp Genetics (formerly Invitae), Labcorp
Classification: Pathogenic for Anauxetic dysplasia. Last evaluated: 2023-08-29. Review status: criteria provided, single submitter. Criteria: Invitae Variant Classification Sherloc (09022015). Collection method: clinical testing. Allele origin: germline.
Comment: For these reasons, this variant has been classified as Pathogenic. While functional studies for this variant have not been reported, experimental analyses using patient derived cells, as well as in vitro transfection studies, have shown that promoter insertions result in silencing of RMRP transcription and reduced expression of the gene product (PMID: 11207361, 16254002). ClinVar contains an entry for this variant (Variation ID: 1451935). This variant is also known as "g.-20_+3dup23CTCTGTGAAGCTGAGAACGTGGT". This variant has been observed in individuals with cartilage-hair hypoplasia (PMID: 32021596). Other insertions and duplications immediately upstream of the coding sequence have been reported in individuals affected with cartilage-hair hypoplasia-anauxetic dysplasia (CHH-AD) spectrum disorders (PMID: 16244706, 11207361, 12107819). This variant is not present in population databases (gnomAD no frequency). This variant occurs in the RMRP gene, which encodes an RNA molecule that does not result in a protein product.

Literature cited by the submitters: PubMed 11207361; PubMed 16254002; PubMed 32021596; PubMed 16244706; PubMed 12107819.

NC_000009.12:g.35658022_35658023insTCTCAGCTTCACAGAGACCACGT

Gene: RMRP (RNA component of mitochondrial RNA processing endoribonuclease; minus strand). Cytogenetic location: 9p13.3.
Variant type: Insertion.
Genome position: GRCh38 VCF-style: chr9-35658015-A-AACCACGTTCTCAGCTTCACAGAG. GRCh37 (hg19) VCF-style: chr9-35658012-A-AACCACGTTCTCAGCTTCACAGAG.
Identifiers: ClinVar variation 1451935 (VCV001451935.6), dbSNP rs1823630124, ClinGen allele CA2573144645.